The following is an entry in ClinVar:

NM_006885.4(ZFHX3):c.116T>C (p.Met39Thr)

Gene: ZFHX3 (zinc finger homeobox 3; minus strand). Cytogenetic location: 16q22.3.
Variant type: single nucleotide variant.
Coding change: c.116T>C on transcript NM_006885.4 (MANE Select); coding-DNA position 116, T replaced by C.
Protein change: p.Met39Thr; replaces methionine 39 with threonine.
Molecular consequence: missense variant. On other transcripts: intron variant (1).
Genome position (GRCh38, 1-based): chr16:72,960,030, A>G on the plus strand (T>C on the coding strand, the complement: ZFHX3 is on the minus strand). VCF-style: chr16-72960030-A-G. GRCh37 (hg19) VCF-style: chr16-72993929-A-G.
Other names: c.116T>C, p.Met39Thr (NM_001386735.1); c.-23-9065T>C (NM_001164766.2); c.116T>C (NM_006885.3); short protein forms M39T.
Identifiers: ClinVar variation 3656643 (VCV003656643.3).
Genomic context (GRCh38, chr16:72,960,030, plus strand): 5'-TCATTGAAGGGGGCCCTCAGGCTGTCCAAGGGCCCGTGGCTCTCGCCTGTGGACTGCTCC[A>G]TGCTACTGGGTTTGTCAGGGAGGTGGGTGCTGTTGAGTTCAGTCCATTGCTGGTGCTGAG-3'
Protein context (NP_008816.3, residues 29-49): STHLPDKPSS[Met39Thr]EQSTGESHGP

ClinVar aggregate classification (germline): Uncertain significance. Review status: criteria provided, multiple submitters, no conflicts (2 of 4 stars). 2 submissions from 2 submitters: Uncertain significance (2). Last evaluated 2025-08-22.

gnomAD v4.1: 16 of 1,613,878 alleles (0.00099%); highest among the groups gnomAD compares: Non-Finnish European, 0.0013%; no homozygotes.

Submissions (2):

Ambry Genetics
Classification: Uncertain significance. Last evaluated: 2025-08-22. Review status: criteria provided, single submitter. Criteria: Ambry Variant Classification Scheme 2023. Collection method: clinical testing. Allele origin: germline.

Labcorp Genetics (formerly Invitae), Labcorp
Classification: Uncertain significance. Last evaluated: 2024-12-26. Review status: criteria provided, single submitter. Criteria: Invitae Variant Classification Sherloc (09022015). Collection method: clinical testing. Allele origin: germline.
Comment: This sequence change replaces methionine, which is neutral and non-polar, with threonine, which is neutral and polar, at codon 39 of the ZFHX3 protein (p.Met39Thr). This variant is present in population databases (rs372426520, gnomAD 0.002%). This variant has not been reported in the literature in individuals affected with ZFHX3-related conditions. An algorithm developed to predict the effect of missense changes on protein structure and function (PolyPhen-2) suggests that this variant is likely to be disruptive. In summary, the available evidence is currently insufficient to determine the role of this variant in disease. Therefore, it has been classified as a Variant of Uncertain Significance.